The following is an entry in ClinVar:

ClinVar aggregate classification (germline): Benign. Review status: criteria provided, multiple submitters, no conflicts (2 of 4 stars). 3 submissions from 3 submitters: Benign (2). 1 of the submissions does not count toward it. Last evaluated 2019-12-31.

Conditions:
B3GNT2-related disorder. Also called: B3GNT2-related condition.

Allele frequency attached by ClinVar (database versions not stated): gnomAD exomes 0.00039 and 0.00107; ExAC 0.00122; gnomAD 0.00410 and 0.00432; 1000 Genomes Project 0.00439; 1000 Genomes Project 30x 0.00453; TOPMed 0.00474; ESP Exome Variant Server 0.00484.
gnomAD v4.1: 1,221 of 1,614,182 alleles (0.076%); highest among the groups gnomAD compares: African/African-American, 1.4%; 8 homozygotes.

Submissions (3):

Labcorp Genetics (formerly Invitae), Labcorp
Classification: Benign. Last evaluated: 2019-12-31. Review status: criteria provided, single submitter. Criteria: Invitae Variant Classification Sherloc (09022015). Collection method: clinical testing. Allele origin: germline.

Breakthrough Genomics
Classification: Benign. Review status: criteria provided, single submitter. Criteria: ACMG Guidelines, 2015. Collection method: not provided. Allele origin: germline. Inheritance: Unknown mechanism. Affected: yes.

PreventionGenetics, part of Exact Sciences
Classification: Benign for B3GNT2-related condition. Last evaluated: 2019-11-20. Review status: no assertion criteria provided. Collection method: clinical testing. Allele origin: germline. Not counted in ClinVar's aggregate classification.
Comment: This variant is classified as benign based on ACMG/AMP sequence variant interpretation guidelines (Richards et al. 2015 PMID: 25741868, with internal and published modifications).

NM_006577.6(B3GNT2):c.309G>A (p.Thr103=)

Gene: B3GNT2 (UDP-GlcNAc:betaGal beta-1,3-N-acetylglucosaminyltransferase 2; plus strand). Cytogenetic location: 2p15.
Variant type: single nucleotide variant.
Coding change: c.309G>A on transcript NM_006577.6 (MANE Select); coding-DNA position 309, G replaced by A.
Protein change: p.Thr103=; no amino-acid change (threonine 103 retained).
Molecular consequence: synonymous variant.
Genome position (GRCh38, 1-based): chr2:62,222,529, G>A. VCF-style: chr2-62222529-G-A. GRCh37 (hg19) VCF-style: chr2-62449664-G-A.
Other names: c.309G>A, p.Thr103= (NM_001319075.2); c.309G>A (NM_006577.5).
Identifiers: ClinVar variation 709364 (VCV000709364.7), dbSNP rs72893877, ClinGen allele CA1680368.